The following is an entry in ClinVar:

ClinVar aggregate classification (germline): Uncertain significance (1 of 4 stars; one submission).

gnomAD v4.1: 4 of 1,614,178 alleles (0.00025%); highest among the groups gnomAD compares: Non-Finnish European, 0.00034%; no homozygotes.

Submission:

Labcorp Genetics (formerly Invitae), Labcorp
Classification: Uncertain significance. Last evaluated: 2024-02-13. Review status: criteria provided, single submitter. Criteria: Invitae Variant Classification Sherloc (09022015). Collection method: clinical testing. Allele origin: germline.
Comment: This sequence change replaces glycine, which is neutral and non-polar, with valine, which is neutral and non-polar, at codon 300 of the HEPACAM protein (p.Gly300Val). This variant is not present in population databases (gnomAD no frequency). This variant has not been reported in the literature in individuals affected with HEPACAM-related conditions. Advanced modeling of protein sequence and biophysical properties (such as structural, functional, and spatial information, amino acid conservation, physicochemical variation, residue mobility, and thermodynamic stability) performed at Invitae indicates that this missense variant is not expected to disrupt HEPACAM protein function with a negative predictive value of 80%. In summary, the available evidence is currently insufficient to determine the role of this variant in disease. Therefore, it has been classified as a Variant of Uncertain Significance.

NM_152722.5(HEPACAM):c.899G>T (p.Gly300Val)

Gene: HEPACAM (hepatic and glial cell adhesion molecule; minus strand). Cytogenetic location: 11q24.2.
Variant type: single nucleotide variant.
Coding change: c.899G>T on transcript NM_152722.5 (MANE Select); coding-DNA position 899, G replaced by T.
Protein change: p.Gly300Val; replaces glycine 300 with valine.
Molecular consequence: missense variant.
Genome position (GRCh38, 1-based): chr11:124,922,437, C>A on the plus strand (G>T on the coding strand, the complement: HEPACAM is on the minus strand). VCF-style: chr11-124922437-C-A. GRCh37 (hg19) VCF-style: chr11-124792333-C-A.
Other names: c.1055G>T, p.Gly352Val (NM_001411043.1); short protein forms G352V, G300V.
Identifiers: ClinVar variation 2791412 (VCV002791412.3), dbSNP rs2497459170, ClinGen allele CA383138624.